The following is an entry in ClinVar:

ClinVar aggregate classification (germline): Pathogenic (1 of 4 stars; one submission).

Conditions:
LAMA2-related muscular dystrophy (LAMA2-RD). Also called: Laminin alpha 2-related dystrophy. Identifiers: MedGen C5679788, MONDO:0100228.

Submission:

Labcorp Genetics (formerly Invitae), Labcorp
Classification: Pathogenic for LAMA2-related muscular dystrophy. Last evaluated: 2023-02-10. Review status: criteria provided, single submitter. Criteria: Invitae Variant Classification Sherloc (09022015). Collection method: clinical testing. Allele origin: germline.
Comment: For these reasons, this variant has been classified as Pathogenic. This variant is a gross deletion of the genomic region encompassing exon(s) 28 of the LAMA2 gene. This deletion is out-of-frame, and is expected to create a premature termination codon and result in an absent or disrupted protein product. Loss-of-function variants in LAMA2 are known to be pathogenic (PMID: 18700894, 32904964). This variant has not been reported in the literature in individuals affected with LAMA2-related conditions.

Literature cited by the submitters: PubMed 18700894; PubMed 32904964.

NC_000006.11:g.(?_129641663)_(129641820_?)del

Gene: LAMA2 (laminin subunit alpha 2; plus strand). Cytogenetic location: 6q22.33.
Variant type: Deletion.
Identifiers: ClinVar variation 1454948 (VCV001454948.6).